The following is an entry in ClinVar:

ClinVar aggregate classification (germline): Likely benign. Review status: criteria provided, multiple submitters, no conflicts (2 of 4 stars). 3 submissions from 3 submitters: Likely benign (2). 1 of the submissions does not count toward it. Last evaluated 2019-06-21.

Allele frequency attached by ClinVar (database versions not stated): gnomAD 0.01074; TOPMed 0.01323; 1000 Genomes Project 0.01398; 1000 Genomes Project 30x 0.01577.

Submissions (3):

GeneDx
Classification: Likely benign. Last evaluated: 2019-06-21. Review status: criteria provided, single submitter. Criteria: GeneDx Variant Classification Process June 2021. Collection method: clinical testing. Allele origin: germline. Affected: yes.

Breakthrough Genomics
Classification: Likely benign. Review status: criteria provided, single submitter. Criteria: ACMG Guidelines, 2015. Collection method: not provided. Allele origin: germline. Inheritance: Autosomal recessive inheritance. Affected: yes.

ITMI
No classification provided. Condition: AllHighlyPenetrant. Last evaluated: 2013-09-19. Review status: no classification provided. Collection method: reference population. Allele origin: germline. Not counted in ClinVar's aggregate classification.
Comment: Please see associated publication for description of ethnicities

Literature cited by the submitters: PubMed 24728327 (cited by ITMI).

NM_000400.4(ERCC2):c.1119-80C>T

Gene: ERCC2 (ERCC excision repair 2, TFIIH core complex helicase subunit; minus strand). Cytogenetic location: 19q13.32.
Variant type: single nucleotide variant.
Coding change: c.1119-80C>T on transcript NM_000400.4 (MANE Select); 80 bases into the intron before coding-DNA position 1119, C replaced by T.
Molecular consequence: intron variant.
Genome position (GRCh38, 1-based): chr19:45,361,722, G>A on the plus strand (C>T on the coding strand, the complement: ERCC2 is on the minus strand). VCF-style: chr19-45361722-G-A. GRCh37 (hg19) VCF-style: chr19-45864980-G-A.
Other names: c.1047-80C>T (NM_001130867.2).
Identifiers: ClinVar variation 135527 (VCV000135527.5), dbSNP rs3895625, ClinGen allele CA162984.